The following is an entry in ClinVar:

NM_001379029.1(CERT1):c.761G>A (p.Gly254Glu)

Gene: CERT1 (ceramide transporter 1; minus strand). Cytogenetic location: 5q13.3.
Variant type: single nucleotide variant.
Coding change: c.761G>A on transcript NM_001379029.1 (MANE Select); coding-DNA position 761, G replaced by A.
Protein change: p.Gly254Glu; replaces glycine 254 with glutamic acid.
Molecular consequence: missense variant.
Genome position (GRCh38, 1-based): chr5:75,416,952, C>T on the plus strand (G>A on the coding strand, the complement: CERT1 is on the minus strand). VCF-style: chr5-75416952-C-T. GRCh37 (hg19) VCF-style: chr5-74712777-C-T.
Other names: c.1145G>A, p.Gly382Glu (NM_001130105.1); c.761G>A, p.Gly254Glu (NM_001379002.1, NM_001379003.1, NM_001379004.1 and 2 more transcripts); short protein forms G254E, G382E.
Identifiers: ClinVar variation 1025281 (VCV001025281.8), dbSNP rs1763157412, ClinGen allele CA360131708.

ClinVar aggregate classification (germline): Uncertain significance (1 of 4 stars; one submission).

Submission:

Labcorp Genetics (formerly Invitae), Labcorp
Classification: Uncertain significance. Last evaluated: 2018-03-16. Review status: criteria provided, single submitter. Criteria: Invitae Variant Classification Sherloc (09022015). Collection method: clinical testing. Allele origin: germline.
Comment: Algorithms developed to predict the effect of missense changes on protein structure and function do not agree on the potential impact of this missense change (SIFT: "Deleterious"; PolyPhen-2: "Probably Damaging"; Align-GVGD: "Class C15"). In summary, the available evidence is currently insufficient to determine the role of this variant in disease. Therefore, it has been classified as a Variant of Uncertain Significance. This sequence change replaces glycine with glutamic acid at codon 382 of the COL4A3BP protein (p.Gly382Glu). The glycine residue is highly conserved and there is a moderate physicochemical difference between glycine and glutamic acid. This variant is not present in population databases (ExAC no frequency). This variant has not been reported in the literature in individuals with COL4A3BP-related disease.